The following is an entry in ClinVar:

ClinVar aggregate classification (germline): Pathogenic (1 of 4 stars; one submission).

Conditions:
Carney complex, type 1 (CNC1). Also called: CARNEY COMPLEX, TYPE I; CARNEY MYXOMA-ENDOCRINE COMPLEX. Identifiers: Orphanet 1359, MedGen C2607929, MONDO:0008057, OMIM 160980.

Submission:

Labcorp Genetics (formerly Invitae), Labcorp
Classification: Pathogenic for Carney complex, type 1. Last evaluated: 2023-02-15. Review status: criteria provided, single submitter. Criteria: Invitae Variant Classification Sherloc (09022015). Collection method: clinical testing. Allele origin: unknown.
Comment: For these reasons, this variant has been classified as Pathogenic. Experimental studies have shown that a similar copy number variant affects PRKAR1A function (PMID: 24144965). This variant is a gross deletion of the genomic region encompassing exon(s) 3-6 of the PRKAR1A gene. This variant would be expected to be in-frame, preserving the integrity of the reading frame. A similar copy number variant has been observed in individual(s) with Carney complex (PMID: 24144965). It has also been observed to segregate with disease in related individuals. Algorithms developed to predict the effect of variants on protein structure and function are not available or were not evaluated for this variant.

Literature cited by the submitters: PubMed 24144965.

NC_000017.10:g.(?_66515268)_(66521884_?)del

Gene: PRKAR1A (protein kinase cAMP-dependent type I regulatory subunit alpha; plus strand). Cytogenetic location: 17q24.2.
Variant type: Deletion.
Identifiers: ClinVar variation 3243067 (VCV003243067.1).